The following is an entry in ClinVar:

ClinVar aggregate classification (germline): Uncertain significance (1 of 4 stars; one submission).

Conditions:
Cardiovascular phenotype. Identifiers: MedGen CN230736.

Submission:

Ambry Genetics
Classification: Uncertain significance for Cardiovascular phenotype. Last evaluated: 2024-10-08. Review status: criteria provided, single submitter. Criteria: Ambry Variant Classification Scheme 2023. Collection method: clinical testing. Allele origin: germline.
Comment: The p.F249C variant (also known as c.746T>G), located in coding exon 7 of the PRDM5 gene, results from a T to G substitution at nucleotide position 746. The phenylalanine at codon 249 is replaced by cysteine, an amino acid with highly dissimilar properties. This amino acid position is conserved. In addition, this alteration is predicted to be tolerated by in silico analysis. Based on the available evidence, the clinical significance of this variant remains unclear.

NM_018699.4(PRDM5):c.746T>G (p.Phe249Cys)

Gene: PRDM5 (PR/SET domain 5; minus strand). Cytogenetic location: 4q27.
Variant type: single nucleotide variant.
Coding change: c.746T>G on transcript NM_018699.4 (MANE Select); coding-DNA position 746, T replaced by G.
Protein change: p.Phe249Cys; replaces phenylalanine 249 with cysteine.
Molecular consequence: missense variant.
Genome position (GRCh38, 1-based): chr4:120,816,572, A>C on the plus strand (T>G on the coding strand, the complement: PRDM5 is on the minus strand). VCF-style: chr4-120816572-A-C. GRCh37 (hg19) VCF-style: chr4-121737727-A-C.
Other names: c.653T>G, p.Phe218Cys (NM_001300823.2, NM_001300824.2, NM_001379106.1); c.746T>G, p.Phe249Cys (NM_001379104.1); short protein forms F218C, F249C.
Identifiers: ClinVar variation 3424714 (VCV003424714.1).